The following is an entry in ClinVar:

NM_001457.4(FLNB):c.3763T>C (p.Ser1255Pro)

Gene: FLNB (filamin B; plus strand). Cytogenetic location: 3p14.3.
Variant type: single nucleotide variant.
Coding change: c.3763T>C on transcript NM_001457.4 (MANE Select); coding-DNA position 3763, T replaced by C.
Protein change: p.Ser1255Pro; replaces serine 1255 with proline.
Molecular consequence: missense variant.
Genome position (GRCh38, 1-based): chr3:58,124,370, T>C. VCF-style: chr3-58124370-T-C. GRCh37 (hg19) VCF-style: chr3-58110097-T-C.
Other names: c.3763T>C, p.Ser1255Pro (NM_001164317.2, NM_001164318.2, NM_001164319.2); c.3763T>C (NM_001457.3); short protein forms S1255P.
Identifiers: ClinVar variation 2847279 (VCV002847279.4), dbSNP rs2471127637, ClinGen allele CA353349481.
Genomic context (GRCh38, chr3:58,124,370, plus strand): 5'-TAGCTATGTGCTTGCTCTGCAGATGTGTTCCGGGAAGCTACCACCGACTTTACAGTTGAC[T>C]CTCGGCCGCTGACCCAGGTTGGGGGTGACCACATCAAGGCCCACATTGCCAACCCCTCAG-3'
Protein context (NP_001448.2, residues 1245-1265): REATTDFTVD[Ser1255Pro]RPLTQVGGDH

ClinVar aggregate classification (germline): Uncertain significance. Review status: criteria provided, multiple submitters, no conflicts (2 of 4 stars). 2 submissions from 2 submitters: Uncertain significance (2). Last evaluated 2024-01-04.

Conditions:
Inborn genetic diseases. Identifiers: MedGen C0950123, MeSH D030342.

Allele frequency attached by ClinVar (database versions not stated): gnomAD exomes below 0.00001.
gnomAD v4.1: 1 of 1,614,228 alleles (0.000062%); highest among the groups gnomAD compares: Non-Finnish European, 0.000085%; no homozygotes.

Submissions (2):

Ambry Genetics
Classification: Uncertain significance for Inborn genetic diseases. Last evaluated: 2024-01-04. Review status: criteria provided, single submitter. Criteria: Ambry Variant Classification Scheme 2023. Collection method: clinical testing. Allele origin: germline.

Labcorp Genetics (formerly Invitae), Labcorp
Classification: Uncertain significance. Last evaluated: 2023-12-07. Review status: criteria provided, single submitter. Criteria: Invitae Variant Classification Sherloc (09022015). Collection method: clinical testing. Allele origin: germline.
Comment: This sequence change replaces serine, which is neutral and polar, with proline, which is neutral and non-polar, at codon 1255 of the FLNB protein (p.Ser1255Pro). This variant is not present in population databases (gnomAD no frequency). This variant has not been reported in the literature in individuals affected with FLNB-related conditions. Advanced modeling of protein sequence and biophysical properties (such as structural, functional, and spatial information, amino acid conservation, physicochemical variation, residue mobility, and thermodynamic stability) performed at Invitae indicates that this missense variant is not expected to disrupt FLNB protein function with a negative predictive value of 95%. In summary, the available evidence is currently insufficient to determine the role of this variant in disease. Therefore, it has been classified as a Variant of Uncertain Significance.